The following is an entry in ClinVar:

NM_001037333.3(CYFIP2):c.2639C>T (p.Ala880Val)

Gene: CYFIP2 (cytoplasmic FMR1 interacting protein 2; plus strand). Cytogenetic location: 5q33.3.
Variant type: single nucleotide variant.
Coding change: c.2639C>T on transcript NM_001037333.3 (MANE Select); coding-DNA position 2639, C replaced by T.
Protein change: p.Ala880Val; replaces alanine 880 with valine.
Molecular consequence: missense variant.
Genome position (GRCh38, 1-based): chr5:157,341,123, C>T. VCF-style: chr5-157341123-C-T. GRCh37 (hg19) VCF-style: chr5-156768131-C-T.
Other names: c.2561C>T, p.Ala854Val (NM_001291721.2); c.2714C>T, p.Ala905Val (NM_001291722.2); c.2639C>T, p.Ala880Val (NM_014376.4); short protein forms A880V, A854V, A905V.
Identifiers: ClinVar variation 2049009 (VCV002049009.4), dbSNP rs2532488873, ClinGen allele CA361972908.
Genomic context (GRCh38, chr5:157,341,123, plus strand): 5'-CTACTAGTTTTGTGCGGACTGCCATTCCTTTCACCCAAGAACCACAACGAGACAAACCTG[C>T]CAACGTCCAGCCTTATTACCTCTATGGATCCAAGGTAAGTAGTCCTGCCCTACCCTGCCT-3'
Protein context (NP_001032410.1, residues 870-890): FTQEPQRDKP[Ala880Val]NVQPYYLYGS

ClinVar aggregate classification (germline): Uncertain significance (1 of 4 stars; one submission).

Allele frequency attached by ClinVar (database versions not stated): gnomAD exomes below 0.00001.
gnomAD v4.1: 5 of 1,613,992 alleles (0.00031%); highest among the groups gnomAD compares: Non-Finnish European, 0.00042%; no homozygotes.

Submission:

Labcorp Genetics (formerly Invitae), Labcorp
Classification: Uncertain significance. Last evaluated: 2025-06-01. Review status: criteria provided, single submitter. Criteria: Invitae Variant Classification Sherloc (09022015). Collection method: clinical testing. Allele origin: germline.
Comment: This sequence change replaces alanine, which is neutral and non-polar, with valine, which is neutral and non-polar, at codon 880 of the CYFIP2 protein (p.Ala880Val). This variant is not present in population databases (gnomAD no frequency). This variant has not been reported in the literature in individuals affected with CYFIP2-related conditions. ClinVar contains an entry for this variant (Variation ID: 2049009). Experimental studies and prediction algorithms are not available or were not evaluated, and the functional significance of this variant is currently unknown. In summary, the available evidence is currently insufficient to determine the role of this variant in disease. Therefore, it has been classified as a Variant of Uncertain Significance.